The following is an entry in ClinVar:

NM_022049.3(GPR88):c.712C>T (p.Pro238Ser)

Gene: GPR88 (G protein-coupled receptor 88; plus strand). Cytogenetic location: 1p21.2.
Variant type: single nucleotide variant.
Coding change: c.712C>T on transcript NM_022049.3 (MANE Select); coding-DNA position 712, C replaced by T.
Protein change: p.Pro238Ser; replaces proline 238 with serine.
Molecular consequence: missense variant.
Genome position (GRCh38, 1-based): chr1:100,539,678, C>T. VCF-style: chr1-100539678-C-T. GRCh37 (hg19) VCF-style: chr1-101005234-C-T.
Other names: short protein forms P238S.
Identifiers: ClinVar variation 2877821 (VCV002877821.3), dbSNP rs918411483, ClinGen allele CA28152860.

ClinVar aggregate classification (germline): Uncertain significance (1 of 4 stars; one submission).

Allele frequency attached by ClinVar (database versions not stated): TOPMed 0.00002; gnomAD 0.00003.

Submission:

Labcorp Genetics (formerly Invitae), Labcorp
Classification: Uncertain significance. Last evaluated: 2023-12-02. Review status: criteria provided, single submitter. Criteria: Invitae Variant Classification Sherloc (09022015). Collection method: clinical testing. Allele origin: germline.
Comment: This sequence change replaces proline, which is neutral and non-polar, with serine, which is neutral and polar, at codon 238 of the GPR88 protein (p.Pro238Ser). This variant is not present in population databases (gnomAD no frequency). This variant has not been reported in the literature in individuals affected with GPR88-related conditions. Experimental studies and prediction algorithms are not available or were not evaluated, and the functional significance of this variant is currently unknown. In summary, the available evidence is currently insufficient to determine the role of this variant in disease. Therefore, it has been classified as a Variant of Uncertain Significance.